The following continues an entry in ClinVar:

NM_001370658.1(BTD):c.1535C>T (p.Thr512Met)

Gene: BTD. ClinVar aggregate classification (germline): Pathogenic/Likely pathogenic. Pathogenic (21); Likely pathogenic (1).

Submissions 15 to 26 of 26:

MGZ Medical Genetics Center
Classification: Pathogenic for Biotinidase deficiency. Last evaluated: 2022-06-17. Review status: criteria provided, single submitter. Criteria: ACMG Guidelines, 2015. Collection method: clinical testing. Allele origin: germline. Affected: yes. Observed: 2 variant alleles.
Comment: ACMG criteria applied: PM3_STR, PS4_MOD, PM1, PM2_SUP, PP1, PP3, PP4

Genome-Nilou Lab
Classification: Pathogenic for Biotinidase deficiency. Last evaluated: 2021-07-22. Review status: criteria provided, single submitter. Criteria: ACMG Guidelines, 2015. Collection method: clinical testing. Allele origin: germline. Affected: no.

Women's Health and Genetics/Laboratory Corporation of America, LabCorp
Classification: Pathogenic for Biotinidase deficiency. Last evaluated: 2021-04-20. Review status: criteria provided, single submitter. Criteria: LabCorp Variant Classification Summary - May 2015. Collection method: clinical testing. Allele origin: germline.
Comment: Variant summary: BTD c.1535C>T (p.Thr512Met, also known as c.1595C>T/p.Thr532Met in NM_000060) results in a non-conservative amino acid change located in the Vanin, C-terminal domain (IPR043957) of the encoded protein sequence. Five of five in-silico tools predict a damaging effect of the variant on protein function. The variant allele was found at a frequency of 6.9e-05 in 245398 control chromosomes (gnomAD). This frequency is not significantly higher than expected for a pathogenic variant in BTD causing Biotinidase Deficiency (6.9e-05 vs 0.0046), allowing no conclusion about variant significance. This variant has been reported in the literature in multiple individuals (both homozygous and compound heterozygous state) affected with partial to profound Biotinidase Deficiency (example: Pomponio_2000, Lara_2015). These data indicate that the variant is very likely to be associated with disease. Less than 10% of mean normal enzymatic activity was seen in serum or plasma of patients who were homozygous for the variant of interest (Pomponio_2000). Nine ClinVar submitters (evaluation after 2014) cite the variant as pathogenic. Based on the evidence outlined above, the variant was classified as pathogenic.

Centre for Mendelian Genomics, University Medical Centre Ljubljana
Classification: Pathogenic for Biotinidase deficiency. Last evaluated: 2020-03-13. Review status: criteria provided, single submitter. Criteria: ACMG Guidelines, 2015. Collection method: clinical testing. Allele origin: unknown. Affected: yes.
Comment: This variant was classified as: Pathogenic. The following ACMG criteria were applied in classifying this variant: PS4,PM1,PM2,PM3,PP3.

Fulgent Genetics
Classification: Pathogenic for Biotinidase deficiency. Last evaluated: 2018-10-31. Review status: criteria provided, single submitter. Criteria: ACMG Guidelines, 2015. Collection method: clinical testing. Allele origin: unknown.

ARUP Laboratories, Molecular Genetics and Genomics, ARUP Laboratories
Classification: Pathogenic for Biotinidase deficiency. Last evaluated: 2018-10-18. Review status: criteria provided, single submitter. Criteria: ARUP Molecular Germline Variant Investigation Process. Collection method: clinical testing. Allele origin: germline.
Comment: The BTD c.1595C>T; p.Thr532Met variant (rs104893688), is reported in the literature in the homozygous or compound heterozygous state in multiple individuals affected with partial to profound biotinidase deficiency (Cowan 2012, Funghini 2002, Laszlo 2003, Norrgard 1999, Ohlsson 2010, Pomponio 2000, Swango 1998, Wiltink 2016, Wolf 2017). This variant is reported as pathogenic by multiple laboratories in ClinVar (Variation ID: 1897), and is found in the non-Finnish European population with an allele frequency of 0.015% (19/125,971 alleles) in the Genome Aggregation Database. The threonine at codon 532 is highly conserved, and computational analyses (SIFT, PolyPhen-2) predict that this variant is deleterious. Based on available information, the p.Thr532Met variant is considered to be severely pathogenic. References: Cowan TM et al. Increased incidence of profound biotinidase deficiency among Hispanic newborns in California. Mol Genet Metab. 2012 Aug;106(4):485-7. Funghini S et al. Two new mutations in children affected by partial biotinidase deficiency ascertained by newborn screening. J Inherit Metab Dis. 2002 Aug;25(4):328-30. Laszlo A et al. Neonatal screening for biotinidase deficiency in Hungary: clinical, biochemical and molecular studies. J Inherit Metab Dis. 2003;26(7):693-8. Norrgard KJ et al. Mutations causing profound biotinidase deficiency in children ascertained by newborn screening in the United States occur at different frequencies than in symptomatic children. Pediatr Res. 1999 Jul;46(1):20-7. Ohlsson A et al. Profound biotinidase deficiency: a rare disease among native Swedes. J Inherit Metab Dis. 2010 Dec;33 Suppl 3:S175-8. Pomponio RJ et al. Novel mutations cause biotinidase deficiency in Turkish children. J Inherit Metab Dis. 2000 Mar;23(2):120-8. Swango KL et al. Partial biotinidase deficiency is usually due to the D444H mutation in the biotinidase gene. Hum Genet. 1998 May;102(5):571-5. Wiltink RC et al. Neonatal screening for profound biotinidase deficiency in the Netherlands: consequences and considerations. Eur J Hum Genet. 2016 Oct;24(10):1424-9. Wolf B. Successful outcomes of older adolescents and adults with profound biotinidase deficiency identified by newborn screening. Genet Med. 2017 Apr;19(4):396-402.

Eurofins Ntd Llc (ga)
Classification: Pathogenic. Last evaluated: 2015-08-21. Review status: criteria provided, single submitter. Criteria: EGL Classification Definitions 2015. Collection method: clinical testing. Allele origin: germline. Observed: 7 variant alleles, 6 heterozygotes, 1 homozygote.

Juno Genomics, Hangzhou Juno Genomics, Inc
Classification: Pathogenic for Biotinidase deficiency. Review status: criteria provided, single submitter. Criteria: ACMG Guidelines, 2015. Collection method: clinical testing. Allele origin: germline.
Comment: Absent from controls (or at extremely low frequency if recessive) in Genome Aggregation Database.;Multiple lines of computational evidence support a deleterious effect on the gene or gene product.;For recessive disorders, detected in trans with a pathogenic variant.;Patient's phenotype or family history is highly specific for a disease with a single genetic etiology.

Counsyl
Classification: Pathogenic for Biotinidase deficiency. Last evaluated: 2014-06-29. Review status: no assertion criteria provided. Collection method: literature only. Allele origin: unknown. Inheritance: Autosomal recessive inheritance. Not counted in ClinVar's aggregate classification.

OMIM
Classification: Pathogenic for BIOTINIDASE DEFICIENCY. Last evaluated: 2000-03-01. Review status: no assertion criteria provided. Collection method: literature only. Allele origin: germline. Not counted in ClinVar's aggregate classification.

Clinical Genetics DNA and cytogenetics Diagnostics Lab, Erasmus MC, Erasmus Medical Center
Classification: Pathogenic. Review status: no assertion criteria provided. Collection method: clinical testing. Allele origin: germline. Affected: yes. Study: VKGL Data-share Consensus. Not counted in ClinVar's aggregate classification.

Genome Diagnostics Laboratory, University Medical Center Utrecht
Classification: Pathogenic. Review status: no assertion criteria provided. Collection method: clinical testing. Allele origin: germline. Affected: yes. Study: VKGL Data-share Consensus. Not counted in ClinVar's aggregate classification.

Literature cited by the submitters: PubMed 38141137 (cited by Natera, Inc.); PubMed 9654207 (cited by 3 submitters); PubMed 10400129 (cited by 4 submitters); PubMed 10801053 (cited by 7 submitters); PubMed 21752405 (cited by Labcorp Genetics (formerly Invitae), Labcorp); PubMed 22011816 (cited by Labcorp Genetics (formerly Invitae), Labcorp); PubMed 22698809 (cited by 3 submitters); PubMed 27657684 (cited by 3 submitters); PubMed 20224900 (cited by 4 submitters); PubMed 25423671 (cited by Dasa and Quest Diagnostics Nichols Institute San Juan Capistrano); PubMed 27329734 (cited by Dasa and Ambry Genetics); PubMed 14707518 (cited by Quest Diagnostics Nichols Institute San Juan Capistrano and Counsyl); PubMed 11313766 (cited by Quest Diagnostics Nichols Institute San Juan Capistrano); PubMed 15776412 (cited by Quest Diagnostics Nichols Institute San Juan Capistrano and Counsyl); PubMed 12227467 (cited by Quest Diagnostics Nichols Institute San Juan Capistrano and Counsyl); PubMed 30912303 (cited by Quest Diagnostics Nichols Institute San Juan Capistrano); PubMed 33312878 (cited by Quest Diagnostics Nichols Institute San Juan Capistrano and Ambry Genetics); PubMed 35195902 (cited by Quest Diagnostics Nichols Institute San Juan Capistrano and Ambry Genetics); PubMed 25967232 (cited by Ambry Genetics and Women's Health and Genetics/Laboratory Corporation of America, LabCorp).